The following is an entry in ClinVar:

ClinVar aggregate classification (germline): Uncertain significance (1 of 4 stars; one submission).

Conditions:
Perlman syndrome (PRLMNS). Identifiers: Orphanet 2849, MedGen C0796113, MONDO:0009965, OMIM 267000.

Submission:

Labcorp Genetics (formerly Invitae), Labcorp
Classification: Uncertain significance for Perlman syndrome. Last evaluated: 2025-07-21. Review status: criteria provided, single submitter. Criteria: Invitae Variant Classification Sherloc (09022015). Collection method: clinical testing. Allele origin: germline.
Comment: This sequence change replaces arginine, which is basic and polar, with glycine, which is neutral and non-polar, at codon 748 of the DIS3L2 protein (p.Arg748Gly). This variant is not present in population databases (gnomAD no frequency). This variant has not been reported in the literature in individuals affected with DIS3L2-related conditions. ClinVar contains an entry for this variant (Variation ID: 1035157). Invitae Evidence Modeling of protein sequence and biophysical properties (such as structural, functional, and spatial information, amino acid conservation, physicochemical variation, residue mobility, and thermodynamic stability) indicates that this missense variant is not expected to disrupt DIS3L2 protein function with a negative predictive value of 80%. In summary, the available evidence is currently insufficient to determine the role of this variant in disease. Therefore, it has been classified as a Variant of Uncertain Significance.

NM_152383.5(DIS3L2):c.2242C>G (p.Arg748Gly)

Gene: DIS3L2 (DIS3 like 3'-5' exoribonuclease 2; plus strand). Cytogenetic location: 2q37.1.
Variant type: single nucleotide variant.
Coding change: c.2242C>G on transcript NM_152383.5 (MANE Select); coding-DNA position 2242, C replaced by G.
Protein change: p.Arg748Gly; replaces arginine 748 with glycine.
Molecular consequence: missense variant. On other transcripts: non-coding transcript variant (2), intron variant (1).
Genome position (GRCh38, 1-based): chr2:232,334,452, C>G. VCF-style: chr2-232334452-C-G. GRCh37 (hg19) VCF-style: chr2-233199162-C-G.
Other names: c.1582-8893C>G (NM_001257281.2); short protein forms R748G.
Identifiers: ClinVar variation 1035157 (VCV001035157.8), dbSNP rs372560799, ClinGen allele CA350977783.
Genomic context (GRCh38, chr2:232,334,452, plus strand): 5'-GCGCCCGATACCCTGCAGAAACAGGCGGACCACTGTAACGACCGCCGCATGGCGTCCAAG[C>G]GCGTGCAGGAGCTCAGTACCAGTCTCTTCTTTGCTGTTCTGGTCAAGGTGAGCCCTCCAG-3'
Protein context (NP_689596.4, residues 738-758): HCNDRRMASK[Arg748Gly]VQELSTSLFF